The following is an entry in ClinVar:

ClinVar aggregate classification (germline): Uncertain significance (1 of 4 stars; one submission).

Conditions:
Neuropathy, hereditary sensory, type 2C. Also called: Hereditary sensory and autonomic neuropathy type IIC; KIF1A-Related HSAN2 (HSAN2C). Identifiers: Orphanet 970, MedGen C3280168, MONDO:0013634, OMIM 614213.
Intellectual disability, autosomal dominant 9 (NESCAVS). Also called: NESCAV SYNDROME; KIF1A-Related Neurodevelopmental Disorder. Identifiers: Orphanet 662367, MedGen C5393830, MONDO:0013656, OMIM 614255.
Hereditary spastic paraplegia 30. Identifiers: Orphanet 101010, MedGen C5235139, MONDO:0012476.

Submission:

Labcorp Genetics (formerly Invitae), Labcorp
Classification: Uncertain significance for Hereditary spastic paraplegia 30; Neuropathy, hereditary sensory, type 2C; Intellectual disability, autosomal dominant 9. Last evaluated: 2022-08-09. Review status: criteria provided, single submitter. Criteria: Invitae Variant Classification Sherloc (09022015). Collection method: clinical testing. Allele origin: unknown.
Comment: This variant results in a copy number gain of the genomic region encompassing exon(s) 1-35 of the KIF1A gene. This region includes the initiator codon of the gene. This copy number gain extends beyond the assayed region for this gene and therefore may encompass additional genes. As the precise location of this event is unknown, it may be in tandem or it may be located elsewhere in the genome. In summary, the available evidence is currently insufficient to determine the role of this variant in disease. Therefore, it has been classified as a Variant of Uncertain Significance. This variant has not been reported in the literature in individuals affected with KIF1A-related conditions.

NC_000002.11:g.(?_241676460)_(241818238_?)dup

Genes: AGXT (alanine--glyoxylate aminotransferase; plus strand), KIF1A (kinesin family member 1A; minus strand). Cytogenetic location: 2q37.3.
Variant type: Duplication.
Identifiers: ClinVar variation 3247233 (VCV003247233.1).